The following is an entry in ClinVar:

ClinVar aggregate classification (germline): Likely benign. Review status: criteria provided, multiple submitters, no conflicts (2 of 4 stars). 2 submissions from 2 submitters: Likely benign (2). Last evaluated 2025-08-01.

Conditions:
FMN2-related disorder. Also called: FMN2-related condition.

Allele frequency attached by ClinVar (database versions not stated): gnomAD exomes 0.00022; 1000 Genomes Project 0.00140; gnomAD 0.00212.
gnomAD v4.1: 361 of 1,092,236 alleles (0.033%); highest among the groups gnomAD compares: African/African-American, 0.59%; no homozygotes.

Submissions (2):

CeGaT Center for Human Genetics Tuebingen
Classification: Likely benign. Last evaluated: 2025-08-01. Review status: criteria provided, single submitter. Criteria: CeGaT Center For Human Genetics Tuebingen Variant Classification Criteria Version 2. Collection method: clinical testing. Allele origin: germline. Affected: yes. Observed: 4 variant alleles.
Comment: FMN2: BP4, BP7

PreventionGenetics, part of Exact Sciences
Classification: Likely benign for FMN2-related condition. Last evaluated: 2019-07-12. Review status: criteria provided, single submitter. Criteria: ACMG Guidelines, 2015. Collection method: clinical testing. Allele origin: germline.
Comment: This variant is classified as likely benign based on ACMG/AMP sequence variant interpretation guidelines (Richards et al. 2015 PMID: 25741868, with internal and published modifications).

NM_020066.5(FMN2):c.2901T>G (p.Pro967=)

Gene: FMN2 (formin 2; plus strand). Cytogenetic location: 1q43.
Variant type: single nucleotide variant.
Coding change: c.2901T>G on transcript NM_020066.5 (MANE Select); coding-DNA position 2901, T replaced by G.
Protein change: p.Pro967=; no amino-acid change (proline 967 retained).
Molecular consequence: synonymous variant. On other transcripts: intron variant (1).
Genome position (GRCh38, 1-based): chr1:240,207,713, T>G. VCF-style: chr1-240207713-T-G. GRCh37 (hg19) VCF-style: chr1-240371013-T-G.
Other names: c.2901T>G (NM_020066.4); c.2913T>G, p.Pro971= (NM_001305424.2); c.1986+19451T>G (NM_001348094.2).
Identifiers: ClinVar variation 2640141 (VCV002640141.25), dbSNP rs551608057, ClinGen allele CA1476868.